The following is an entry in ClinVar:

ClinVar aggregate classification (germline): Uncertain significance (1 of 4 stars; one submission).

gnomAD v4.1: 2 of 1,613,026 alleles (0.00012%); highest among the groups gnomAD compares: South Asian, 0.0011%; no homozygotes.

Submission:

GeneDx
Classification: Uncertain significance. Last evaluated: 2024-11-12. Review status: criteria provided, single submitter. Criteria: GeneDx Variant Classification Process June 2021. Collection method: clinical testing. Allele origin: germline. Affected: yes.
Comment: Not observed at significant frequency in large population cohorts (gnomAD); In silico analysis supports that this missense variant has a deleterious effect on protein structure/function; Has not been previously published as pathogenic or benign to our knowledge

NM_018116.4(MSTO1):c.937C>T (p.Pro313Ser)

Gene: MSTO1 (misato mitochondrial distribution and morphology regulator 1; plus strand). Cytogenetic location: 1q22.
Variant type: single nucleotide variant.
Coding change: c.937C>T on transcript NM_018116.4 (MANE Select); coding-DNA position 937, C replaced by T.
Protein change: p.Pro313Ser; replaces proline 313 with serine.
Molecular consequence: missense variant. On other transcripts: non-coding transcript variant (6).
Genome position (GRCh38, 1-based): chr1:155,612,541, C>T. VCF-style: chr1-155612541-C-T. GRCh37 (hg19) VCF-style: chr1-155582332-C-T.
Other names: c.937C>T, p.Pro313Ser (NM_001256532.1, NM_001256533.1, NM_001350772.1 and 3 more transcripts); c.772C>T, p.Pro258Ser (NM_001350776.1); c.406C>T, p.Pro136Ser (NM_001350777.1, NM_001350778.1, NM_001350779.1); c.403C>T, p.Pro135Ser (NM_001350780.1, NM_001350781.1, NM_001350782.1 and 3 more transcripts); c.394C>T, p.Pro132Ser (NM_001350784.1, NM_001350785.1, NM_001350787.1 and 1 more transcripts); short protein forms P132S, P135S, P136S, P258S, P313S.
Identifiers: ClinVar variation 3899095 (VCV003899095.1).
Genomic context (GRCh38, chr1:155,612,541, plus strand): 5'-CACAGCTCTCTTGTCTGCCCCTTGTCCTTGGGTGGGAGCCTGGGCCTGCGACCCGAGCCA[C>T]CTGTCAGCTTCCCTTACCTGCATTATGATGTAAGTCTCGGTGCTCTTGTTCTGACTGCGG-3'
Protein context (NP_060586.2, residues 303-323): GGSLGLRPEP[Pro313Ser]VSFPYLHYDA